The following is an entry in ClinVar:

ClinVar aggregate classification (germline): Uncertain significance (1 of 4 stars; one submission).

Conditions:
Hereditary cancer-predisposing syndrome. Also called: Hereditary Cancer Syndrome; Neoplastic Syndromes, Hereditary; Tumor predisposition; Hereditary neoplastic syndrome. Identifiers: Orphanet 140162, MedGen C0027672, MeSH D009386, MONDO:0015356.

Submission:

Ambry Genetics
Classification: Uncertain significance for Hereditary cancer-predisposing syndrome. Last evaluated: 2026-08-16. Review status: criteria provided, single submitter. Criteria: Ambry Variant Classification Scheme 2023. Collection method: clinical testing. Allele origin: germline.
Comment: The p.D509G variant (also known as c.1526A>G), located in coding exon 10 of the CTNNA1 gene, results from an A to G substitution at nucleotide position 1526. The aspartic acid at codon 509 is replaced by glycine, an amino acid with similar properties. This amino acid position is conserved. In addition, this alteration is predicted to be deleterious by in silico analysis. Based on the available evidence, the clinical significance of this variant remains unclear.

NM_001903.5(CTNNA1):c.1526A>G (p.Asp509Gly)

Gene: CTNNA1 (catenin alpha 1; plus strand). Cytogenetic location: 5q31.2.
Variant type: single nucleotide variant.
Coding change: c.1526A>G on transcript NM_001903.5 (MANE Select); coding-DNA position 1526, A replaced by G.
Protein change: p.Asp509Gly; replaces aspartic acid 509 with glycine.
Molecular consequence: missense variant.
Genome position (GRCh38, 1-based): chr5:138,917,878, A>G. VCF-style: chr5-138917878-A-G. GRCh37 (hg19) VCF-style: chr5-138253567-A-G.
Other names: c.416A>G, p.Asp139Gly (NM_001324000.1, NM_001324001.1, NM_001324002.1 and 17 more transcripts); c.77A>G, p.Asp26Gly (NM_001324006.1, NM_001324007.1, NM_001324008.1 and 2 more transcripts); c.1526A>G, p.Asp509Gly (NM_001290307.3, NM_001323982.2, NM_001323983.1 and 2 more transcripts); c.1217A>G, p.Asp406Gly (NM_001290309.3); c.1157A>G, p.Asp386Gly (NM_001290310.3); c.1433A>G, p.Asp478Gly (NM_001323986.2); c.323A>G, p.Asp108Gly (NM_001324011.1); c.173A>G, p.Asp58Gly (NM_001324012.1, NM_001324013.1); short protein forms D386G, D58G, D108G, D509G, D406G, D139G, D26G, D478G.
Identifiers: ClinVar variation 5035011 (VCV005035011.1).
Genomic context (GRCh38, chr5:138,917,878, plus strand): 5'-AACAATGGGAAAAACAAGTCCGTGTTCTCACAGATGCTGTCGATGACATTACTTCCATTG[A>G]TGACTTCTTGGCTGTCTCAGGTAATGAGCTGGTTCCCCAGAGAAGTATGTGAAGATGTTC-3'
Protein context (NP_001894.2, residues 499-519): TDAVDDITSI[Asp509Gly]DFLAVSENHI